The following is an entry in ClinVar:

ClinVar aggregate classification (germline): Likely benign. Review status: criteria provided, multiple submitters, no conflicts (2 of 4 stars). 2 submissions from 2 submitters: Likely benign (2). Last evaluated 2024-10-16.

Conditions:
Dilated cardiomyopathy 1G (CMD1G). Identifiers: Orphanet 154, MedGen C1858763, MONDO:0011400, OMIM 604145.
Autosomal recessive limb-girdle muscular dystrophy type 2J (LGMDR10). Also called: Limb-girdle muscular dystrophy, type 2J; MUSCULAR DYSTROPHY, LIMB-GIRDLE, AUTOSOMAL RECESSIVE 10. Identifiers: Orphanet 140922, MedGen C1837342, MONDO:0012127, OMIM 608807.

Allele frequency attached by ClinVar (database versions not stated): ExAC 0.00001.
gnomAD v4.1: 3 of 1,613,464 alleles (0.00019%); highest among the groups gnomAD compares: South Asian, 0.0022%; no homozygotes.

Submissions (2):

Labcorp Genetics (formerly Invitae), Labcorp
Classification: Likely benign for Dilated cardiomyopathy 1G; Autosomal recessive limb-girdle muscular dystrophy type 2J. Last evaluated: 2024-10-16. Review status: criteria provided, single submitter. Criteria: Invitae Variant Classification Sherloc (09022015). Collection method: clinical testing. Allele origin: germline.

CeGaT Center for Human Genetics Tuebingen
Classification: Likely benign. Last evaluated: 2023-09-01. Review status: criteria provided, single submitter. Criteria: CeGaT Center For Human Genetics Tuebingen Variant Classification Criteria Version 2. Collection method: clinical testing. Allele origin: germline. Affected: yes. Observed: 1 variant allele.
Comment: TTN: BP4, BP7

NM_001267550.2(TTN):c.22365T>C (p.Asp7455=)

Gene: TTN (titin; minus strand). Cytogenetic location: 2q31.2.
Variant type: single nucleotide variant.
Coding change: c.22365T>C on transcript NM_001267550.2 (MANE Select); coding-DNA position 22365, T replaced by C.
Protein change: p.Asp7455=; no amino-acid change (aspartic acid 7455 retained).
Molecular consequence: synonymous variant. On other transcripts: intron variant (3).
Genome position (GRCh38, 1-based): chr2:178,722,422, A>G on the plus strand (T>C on the coding strand, the complement: TTN is on the minus strand). VCF-style: chr2-178722422-A-G. GRCh37 (hg19) VCF-style: chr2-179587149-A-G.
Other names: c.21414T>C, p.Asp7138= (NM_001256850.1); c.18633T>C, p.Asp6211= (NM_133378.4); c.13282+15660T>C (NM_003319.4); c.13858+15660T>C (NM_133437.4); c.13657+15660T>C (NM_133432.3).
Identifiers: ClinVar variation 2582988 (VCV002582988.27), dbSNP rs756430663, ClinGen allele CA2000848.